The following is an entry in ClinVar:

NM_001042492.3(NF1):c.3649G>A (p.Asp1217Asn)

Gene: NF1 (neurofibromin 1; plus strand). Cytogenetic location: 17q11.2.
Variant type: single nucleotide variant.
Coding change: c.3649G>A on transcript NM_001042492.3 (MANE Select); coding-DNA position 3649, G replaced by A.
Protein change: p.Asp1217Asn; replaces aspartic acid 1217 with asparagine.
Molecular consequence: missense variant.
Genome position (GRCh38, 1-based): chr17:31,233,154, G>A. VCF-style: chr17-31233154-G-A. GRCh37 (hg19) VCF-style: chr17-29560172-G-A.
Other names: c.3649G>A, p.Asp1217Asn (NM_000267.4); short protein forms D1217N.
Identifiers: ClinVar variation 2871290 (VCV002871290.4), dbSNP rs2151435685, ClinGen allele CA398990451.
Genomic context (GRCh38, chr17:31,233,154, plus strand): 5'-GCAGAAACAGTATTGGCTGATCGGTTTGAGAGATTGGTGGAACTGGTCACAATGATGGGT[G>A]ATCAAGGAGAACTCCCTATAGCGATGGCTCTGGCCAATGTGGTTCCTTGTTCTCAGTGGG-3'
Protein context (NP_001035957.1, residues 1207-1227): RLVELVTMMG[Asp1217Asn]QGELPIAMAL

ClinVar aggregate classification (germline): Conflicting classifications of pathogenicity. Review status: criteria provided, conflicting classifications (1 of 4 stars). 2 submissions from 2 submitters: Likely pathogenic (1); Uncertain significance (1). Last evaluated 2026-07-18.

Conditions:
Neurofibromatosis, type 1 (NF1). Also called: Peripheral type neurofibromatosis; Neurofibromatosis, type I; VON RECKLINGHAUSEN DISEASE; NEUROFIBROMATOSIS, TYPE I, SOMATIC. Identifiers: Orphanet 636, MedGen C0027831, MONDO:0018975, OMIM 162200. Disease mechanism: loss of function.
Cardiovascular phenotype. Identifiers: MedGen CN230736.
Hereditary cancer-predisposing syndrome. Also called: Hereditary Cancer Syndrome; Hereditary neoplastic syndrome; Neoplastic Syndromes, Hereditary; Tumor predisposition. Identifiers: Orphanet 140162, MedGen C0027672, MeSH D009386, MONDO:0015356.

Submissions (2):

Ambry Genetics
Classification: Uncertain significance for Cardiovascular phenotype; Hereditary cancer-predisposing syndrome. Last evaluated: 2026-07-18. Review status: criteria provided, single submitter. Criteria: Ambry Variant Classification Scheme 2023. Collection method: clinical testing. Allele origin: germline.
Comment: The p.D1217N variant (also known as c.3649G>A), located in coding exon 27 of the NF1 gene, results from a G to A substitution at nucleotide position 3649. The aspartic acid at codon 1217 is replaced by asparagine, an amino acid with highly similar properties. This amino acid position is conserved. In addition, the in silico prediction for this alteration is inconclusive. Based on the available evidence, the clinical significance of this variant remains unclear.

Labcorp Genetics (formerly Invitae), Labcorp
Classification: Likely pathogenic for Neurofibromatosis, type 1. Last evaluated: 2022-10-21. Review status: criteria provided, single submitter. Criteria: Invitae Variant Classification Sherloc (09022015). Collection method: clinical testing. Allele origin: germline.
Comment: In summary, the currently available evidence indicates that the variant is pathogenic, but additional data are needed to prove that conclusively. Therefore, this variant has been classified as Likely Pathogenic. This variant disrupts the p.Asp1217 amino acid residue in NF1. Other variant(s) that disrupt this residue have been determined to be pathogenic (PMID: 27322474; Invitae). This suggests that this residue is clinically significant, and that variants that disrupt this residue are likely to be disease-causing. Advanced modeling of protein sequence and biophysical properties (such as structural, functional, and spatial information, amino acid conservation, physicochemical variation, residue mobility, and thermodynamic stability) performed at Invitae indicates that this missense variant is expected to disrupt NF1 protein function. This variant has not been reported in the literature in individuals affected with NF1-related conditions. This variant is not present in population databases (gnomAD no frequency). This sequence change replaces aspartic acid, which is acidic and polar, with asparagine, which is neutral and polar, at codon 1217 of the NF1 protein (p.Asp1217Asn).

Literature cited by the submitters: PubMed 27322474 (cited by Labcorp Genetics (formerly Invitae), Labcorp).